The following is an entry in ClinVar:

ClinVar aggregate classification (germline): Uncertain significance. Review status: criteria provided, multiple submitters, no conflicts (2 of 4 stars). 2 submissions from 2 submitters: Uncertain significance (2). Last evaluated 2026-07-01.

Conditions:
Hereditary cancer-predisposing syndrome. Also called: Tumor predisposition; Hereditary Cancer Syndrome; Hereditary neoplastic syndrome; Neoplastic Syndromes, Hereditary. Identifiers: Orphanet 140162, MedGen C0027672, MeSH D009386, MONDO:0015356.
Renal cell carcinoma. Identifiers: Orphanet 217071, MedGen C0007134, MeSH D002292, MONDO:0005086, HP:0005584.

Submissions (2):

Ambry Genetics
Classification: Uncertain significance for Hereditary cancer-predisposing syndrome. Last evaluated: 2026-07-01. Review status: criteria provided, single submitter. Criteria: Ambry Variant Classification Scheme 2023. Collection method: clinical testing. Allele origin: germline.
Comment: The p.M775V variant (also known as c.2323A>G), located in coding exon 9 of the MET gene, results from an A to G substitution at nucleotide position 2323. The methionine at codon 775 is replaced by valine, an amino acid with highly similar properties. This amino acid position is conserved. In addition, this alteration is predicted to be tolerated by in silico analysis. Based on the available evidence, the clinical significance of this variant remains unclear.

Labcorp Genetics (formerly Invitae), Labcorp
Classification: Uncertain significance for Renal cell carcinoma. Last evaluated: 2021-08-28. Review status: criteria provided, single submitter. Criteria: Invitae Variant Classification Sherloc (09022015). Collection method: clinical testing. Allele origin: germline.
Comment: This sequence change replaces methionine with valine at codon 793 of the MET protein (p.Met793Val). The methionine residue is moderately conserved and there is a small physicochemical difference between methionine and valine. This variant is not present in population databases (ExAC no frequency). This variant has not been reported in the literature in individuals affected with MET-related conditions. Algorithms developed to predict the effect of missense changes on protein structure and function (SIFT, PolyPhen-2, Align-GVGD) all suggest that this variant is likely to be tolerated. In summary, the available evidence is currently insufficient to determine the role of this variant in disease. Therefore, it has been classified as a Variant of Uncertain Significance.

NM_000245.4(MET):c.2323A>G (p.Met775Val)

Gene: MET (MET proto-oncogene, receptor tyrosine kinase; plus strand). Cytogenetic location: 7q31.2.
Variant type: single nucleotide variant.
Coding change: c.2323A>G on transcript NM_000245.4 (MANE Select); coding-DNA position 2323, A replaced by G.
Protein change: p.Met775Val; replaces methionine 775 with valine.
Molecular consequence: missense variant.
Genome position (GRCh38, 1-based): chr7:116,759,449, A>G. VCF-style: chr7-116759449-A-G. GRCh37 (hg19) VCF-style: chr7-116399503-A-G.
Other names: c.2323A>G (NM_000245.2); c.2377A>G, p.Met793Val (NM_001127500.3); c.2323A>G, p.Met775Val (NM_001324401.3); c.1033A>G, p.Met345Val (NM_001324402.2); short protein forms M345V, M775V, M793V.
Identifiers: ClinVar variation 1026230 (VCV001026230.7), dbSNP rs1794311390, ClinGen allele CA368982356.